The following is an entry in ClinVar:

ClinVar aggregate classification (germline): Likely benign (1 of 4 stars; one submission).

Submission:

CeGaT Center for Human Genetics Tuebingen
Classification: Likely benign. Last evaluated: 2024-09-01. Review status: criteria provided, single submitter. Criteria: CeGaT Center For Human Genetics Tuebingen Variant Classification Criteria Version 2. Collection method: clinical testing. Allele origin: germline. Affected: yes. Observed: 1 variant allele.
Comment: SLBP: PM2:Supporting, BP4, BP7

NM_006527.4(SLBP):c.486T>C (p.Leu162=)

Gene: SLBP (stem-loop histone mRNA binding protein; minus strand). Cytogenetic location: 4p16.3.
Variant type: single nucleotide variant.
Coding change: c.486T>C on transcript NM_006527.4 (MANE Select); coding-DNA position 486, T replaced by C.
Protein change: p.Leu162=; no amino-acid change (leucine 162 retained).
Molecular consequence: synonymous variant.
Genome position (GRCh38, 1-based): chr4:1,696,345, A>G on the plus strand (T>C on the coding strand, the complement: SLBP is on the minus strand). VCF-style: chr4-1696345-A-G. GRCh37 (hg19) VCF-style: chr4-1698072-A-G.
Other names: c.381T>C, p.Leu127= (NM_001306074.2); c.369T>C, p.Leu123= (NM_001306075.2).
Identifiers: ClinVar variation 3389712 (VCV003389712.14).